The following is an entry in ClinVar:

ClinVar aggregate classification (germline): Uncertain significance. Review status: criteria provided, multiple submitters, no conflicts (2 of 4 stars). 2 submissions from 2 submitters: Uncertain significance (2). Last evaluated 2024-07-10.

Conditions:
Inborn genetic diseases. Identifiers: MedGen C0950123, MeSH D030342.

gnomAD v4.1: 12 of 1,613,318 alleles (0.00074%); highest among the groups gnomAD compares: Admixed American, 0.0033%; no homozygotes.

Submissions (2):

Labcorp Genetics (formerly Invitae), Labcorp
Classification: Uncertain significance. Last evaluated: 2024-07-10. Review status: criteria provided, single submitter. Criteria: Invitae Variant Classification Sherloc (09022015). Collection method: clinical testing. Allele origin: germline.
Comment: This sequence change replaces proline, which is neutral and non-polar, with serine, which is neutral and polar, at codon 126 of the OSBPL2 protein (p.Pro126Ser). This variant is present in population databases (rs748798927, gnomAD 0.0009%). This variant has not been reported in the literature in individuals affected with OSBPL2-related conditions. An algorithm developed to predict the effect of missense changes on protein structure and function outputs the following: PolyPhen-2: "Benign". The serine amino acid residue is found in multiple mammalian species, which suggests that this missense change does not adversely affect protein function. In summary, the available evidence is currently insufficient to determine the role of this variant in disease. Therefore, it has been classified as a Variant of Uncertain Significance.

Ambry Genetics
Classification: Uncertain significance for Inborn genetic diseases. Last evaluated: 2024-06-17. Review status: criteria provided, single submitter. Criteria: Ambry Variant Classification Scheme 2023. Collection method: clinical testing. Allele origin: germline.

NM_144498.4(OSBPL2):c.376C>T (p.Pro126Ser)

Gene: OSBPL2 (oxysterol binding protein like 2; plus strand). Cytogenetic location: 20q13.33.
Variant type: single nucleotide variant.
Coding change: c.376C>T on transcript NM_144498.4 (MANE Select); coding-DNA position 376, C replaced by T.
Protein change: p.Pro126Ser; replaces proline 126 with serine.
Molecular consequence: missense variant.
Genome position (GRCh38, 1-based): chr20:62,272,242, C>T. VCF-style: chr20-62272242-C-T. GRCh37 (hg19) VCF-style: chr20-60847298-C-T.
Other names: c.100C>T, p.Pro34Ser (NM_001278649.3, NM_001363878.2); c.340C>T, p.Pro114Ser (NM_014835.5); short protein forms P126S, P34S, P114S.
Identifiers: ClinVar variation 3303552 (VCV003303552.3).